The following is an entry in ClinVar:

NM_004036.5(ADCY3):c.354C>T (p.Asp118=)

Gene: ADCY3 (adenylate cyclase 3; minus strand). Cytogenetic location: 2p23.3.
Variant type: single nucleotide variant.
Coding change: c.354C>T on transcript NM_004036.5 (MANE Select); coding-DNA position 354, C replaced by T.
Protein change: p.Asp118=; no amino-acid change (aspartic acid 118 retained).
Molecular consequence: synonymous variant.
Genome position (GRCh38, 1-based): chr2:24,918,634, G>A on the plus strand (C>T on the coding strand, the complement: ADCY3 is on the minus strand). VCF-style: chr2-24918634-G-A. GRCh37 (hg19) VCF-style: chr2-25141503-G-A.
Other names: c.354C>T, p.Asp118= (NM_001320613.2, NM_001377128.1, NM_001377129.1 and 2 more transcripts).
Identifiers: ClinVar variation 3344502 (VCV003344502.1).

ClinVar aggregate classification (germline): Likely benign (0 of 4 stars; one submission).

Conditions:
ADCY3-related disorder. Also called: ADCY3-related condition.

gnomAD v4.1: 8 of 1,614,022 alleles (0.0005%); highest among the groups gnomAD compares: African/African-American, 0.0067%; no homozygotes.

Submission:

PreventionGenetics, part of Exact Sciences
Classification: Likely benign for ADCY3-related condition. Last evaluated: 2024-07-11. Review status: no assertion criteria provided. Collection method: clinical testing. Allele origin: germline.
Comment: This variant is classified as likely benign based on ACMG/AMP sequence variant interpretation guidelines (Richards et al. 2015 PMID: 25741868, with internal and published modifications).